The following is an entry in ClinVar:

NM_000246.4(CIITA):c.1699T>C (p.Ser567Pro)

Gene: CIITA (class II major histocompatibility complex transactivator; plus strand). Cytogenetic location: 16p13.13.
Variant type: single nucleotide variant.
Coding change: c.1699T>C on transcript NM_000246.4 (MANE Select); coding-DNA position 1699, T replaced by C.
Protein change: p.Ser567Pro; replaces serine 567 with proline.
Molecular consequence: missense variant. On other transcripts: intron variant (1).
Genome position (GRCh38, 1-based): chr16:10,907,191, T>C. VCF-style: chr16-10907191-T-C. GRCh37 (hg19) VCF-style: chr16-11001048-T-C.
Other names: c.1702T>C, p.Ser568Pro (NM_001286402.1, NM_001379332.1); c.1555T>C, p.Ser519Pro (NM_001379330.1); c.1552T>C, p.Ser518Pro (NM_001379331.1); c.1699T>C, p.Ser567Pro (NM_001379333.1); c.1630T>C, p.Ser544Pro (NM_001379334.1); c.860-1792T>C (NM_001286403.2); short protein forms S519P, S567P, S544P, S568P, S518P.
Identifiers: ClinVar variation 942284 (VCV000942284.9), dbSNP rs1352205920, ClinGen allele CA394731512.

ClinVar aggregate classification (germline): Uncertain significance (1 of 4 stars; one submission).

Conditions:
MHC class II deficiency. Also called: Bare lymphocyte syndrome 2; BLS, TYPE II. Identifiers: Orphanet 572, MedGen C5447452, MONDO:0008855.

Allele frequency attached by ClinVar (database versions not stated): gnomAD 0.00001.
gnomAD v4.1: 1 of 1,613,402 alleles (0.000062%); no homozygotes.

Submission:

Labcorp Genetics (formerly Invitae), Labcorp
Classification: Uncertain significance for MHC class II deficiency. Last evaluated: 2022-02-05. Review status: criteria provided, single submitter. Criteria: Invitae Variant Classification Sherloc (09022015). Collection method: clinical testing. Allele origin: germline.
Comment: In summary, the available evidence is currently insufficient to determine the role of this variant in disease. Therefore, it has been classified as a Variant of Uncertain Significance. Algorithms developed to predict the effect of missense changes on protein structure and function output the following: SIFT: "Tolerated"; PolyPhen-2: "Benign"; Align-GVGD: "Class C0". The proline amino acid residue is found in multiple mammalian species, which suggests that this missense change does not adversely affect protein function. ClinVar contains an entry for this variant (Variation ID: 942284). This variant has not been reported in the literature in individuals affected with CIITA-related conditions. This variant is present in population databases (no rsID available, gnomAD 0.03%). This sequence change replaces serine, which is neutral and polar, with proline, which is neutral and non-polar, at codon 567 of the CIITA protein (p.Ser567Pro).